The following is an entry in ClinVar:

NM_000135.4(FANCA):c.479T>C (p.Met160Thr)

Gene: FANCA (FA complementation group A; minus strand). Cytogenetic location: 16q24.3.
Variant type: single nucleotide variant.
Coding change: c.479T>C on transcript NM_000135.4 (MANE Select); coding-DNA position 479, T replaced by C.
Protein change: p.Met160Thr; replaces methionine 160 with threonine.
Molecular consequence: missense variant. On other transcripts: intron variant (1).
Genome position (GRCh38, 1-based): chr16:89,810,750, A>G on the plus strand (T>C on the coding strand, the complement: FANCA is on the minus strand). VCF-style: chr16-89810750-A-G. GRCh37 (hg19) VCF-style: chr16-89877158-A-G.
Other names: c.479T>C, p.Met160Thr (NM_001018112.3, NM_001286167.3); c.426+179T>C (NM_001351830.2); short protein forms M160T.
Identifiers: ClinVar variation 3581575 (VCV003581575.3).

ClinVar aggregate classification (germline): Conflicting classifications of pathogenicity. Review status: criteria provided, conflicting classifications (1 of 4 stars). 3 submissions from 3 submitters: Uncertain significance (2); Likely benign (1). Last evaluated 2026-03-28.

Conditions:
Inborn genetic diseases. Identifiers: MedGen C0950123, MeSH D030342.
Fanconi anemia complementation group A (FANCA). Also called: FANCA-Related Fanconi Anemia; Fanconi anemia, group A. Identifiers: Orphanet 84, MedGen C3469521, MONDO:0009215, OMIM 227650.

Submissions (3):

Dasa
Classification: Likely benign. Last evaluated: 2026-03-28. Review status: criteria provided, single submitter. Criteria: DASA Assertion Criteria. Collection method: clinical testing. Allele origin: germline.
Comment: NM_000135.4(FANCA):c.479T>C (p.Met160Thr) is a missense variant that results in the substitution of methionine with threonine. Multiple computational predictions suggest no deleterious effect on the gene or gene product. The variant is present at low frequency in population datasets. Based on the available data, this variant is classified as likely benign.

Ambry Genetics
Classification: Uncertain significance for Inborn genetic diseases. Last evaluated: 2025-10-22. Review status: criteria provided, single submitter. Criteria: Ambry Variant Classification Scheme 2023. Collection method: clinical testing. Allele origin: germline.
Comment: The p.M160T variant (also known as c.479T>C), located in coding exon 5 of the FANCA gene, results from a T to C substitution at nucleotide position 479. The methionine at codon 160 is replaced by threonine, an amino acid with similar properties. This amino acid position is conserved. In addition, this alteration is predicted to be tolerated by in silico analysis. Based on the available evidence, the clinical significance of this variant remains unclear.

Fulgent Genetics
Classification: Uncertain significance for Fanconi anemia complementation group A. Last evaluated: 2024-01-20. Review status: criteria provided, single submitter. Criteria: ACMG Guidelines, 2015. Collection method: clinical testing. Allele origin: germline.